The following is an entry in ClinVar:

NM_015080.4(NRXN2):c.1216G>A (p.Gly406Arg)

Gene: NRXN2 (neurexin 2; minus strand). Cytogenetic location: 11q13.1.
Variant type: single nucleotide variant.
Coding change: c.1216G>A on transcript NM_015080.4 (MANE Select); coding-DNA position 1216, G replaced by A.
Protein change: p.Gly406Arg; replaces glycine 406 with arginine.
Molecular consequence: missense variant.
Genome position (GRCh38, 1-based): chr11:64,668,586, C>T on the plus strand (G>A on the coding strand, the complement: NRXN2 is on the minus strand). VCF-style: chr11-64668586-C-T. GRCh37 (hg19) VCF-style: chr11-64436058-C-T.
Other names: c.1216G>A, p.Gly406Arg (NM_001376262.1); c.1195G>A, p.Gly399Arg (NM_001376263.1, NM_001376267.1); c.1171G>A, p.Gly391Arg (NM_001376265.1); c.1192G>A, p.Gly398Arg (NM_001376266.1); c.1123G>A, p.Gly375Arg (NM_138732.3); short protein forms G375R, G391R, G398R, G399R, G406R.
Identifiers: ClinVar variation 3344222 (VCV003344222.1).

ClinVar aggregate classification (germline): Uncertain significance (0 of 4 stars; one submission).

Conditions:
NRXN2-related disorder. Also called: NRXN2-related condition.

gnomAD v4.1: 1 of 1,612,320 alleles (0.000062%); highest among the groups gnomAD compares: Non-Finnish European, 0.000085%; no homozygotes.

Submission:

PreventionGenetics, part of Exact Sciences
Classification: Uncertain significance for NRXN2-related condition. Last evaluated: 2024-08-28. Review status: no assertion criteria provided. Collection method: clinical testing. Allele origin: germline.
Comment: The NRXN2 c.1216G>A variant is predicted to result in the amino acid substitution p.Gly406Arg. To our knowledge, this variant has not been reported in the literature or in a large population database, indicating this variant is rare. At this time, the clinical significance of this variant is uncertain due to the absence of conclusive functional and genetic evidence.